The following is an entry in ClinVar:

NM_000540.3(RYR1):c.13370dup (p.Met4457fs)

Gene: RYR1 (ryanodine receptor 1; plus strand). Cytogenetic location: 19q13.2.
Variant type: Duplication.
Coding change: c.13370dup on transcript NM_000540.3 (MANE Select); coding-DNA position 13370, one base duplicated (T; older notation c.13370dupT).
Protein change: p.Met4457fs; shifts the reading frame from methionine 4457.
Molecular consequence: frameshift variant.
Genome position (GRCh38, 1-based): chr19:38,565,704, T duplicated. VCF-style (leftmost placement, unchanged base first): chr19-38565703-A-AT. GRCh37 (hg19) VCF-style: chr19-39056343-A-AT.
Other names: c.13355dup, p.Met4452fs (NM_001042723.2); short protein forms M4457fs, M4452fs.
Identifiers: ClinVar variation 2770539 (VCV002770539.3), dbSNP rs2514682048, ClinGen allele CA2697556514.

ClinVar aggregate classification (germline): Pathogenic (1 of 4 stars; one submission).

Conditions:
RYR1-related disorder. Also called: RYR1-related condition; RYR1-related disorders. Identifiers: MedGen CN239331.

Submission:

Labcorp Genetics (formerly Invitae), Labcorp
Classification: Pathogenic for RYR1-related disorder. Last evaluated: 2023-10-22. Review status: criteria provided, single submitter. Criteria: Invitae Variant Classification Sherloc (09022015). Collection method: clinical testing. Allele origin: germline.
Comment: This sequence change creates a premature translational stop signal (p.Met4457Ilefs*126) in the RYR1 gene. It is expected to result in an absent or disrupted protein product. Loss-of-function variants in RYR1 are known to be pathogenic (PMID: 23919265, 25960145, 28818389, 30611313). This variant is not present in population databases (gnomAD no frequency). This variant has not been reported in the literature in individuals affected with RYR1-related conditions. For these reasons, this variant has been classified as Pathogenic.

Literature cited by the submitters: PubMed 23919265; PubMed 25960145; PubMed 28818389; PubMed 30611313.